The following is an entry in ClinVar:

NM_001377458.1(CLCC1):c.833del (p.Pro278fs)

Gene: CLCC1 (chloride channel CLIC like 1; minus strand). Cytogenetic location: 1p13.3.
Variant type: Deletion.
Coding change: c.833del on transcript NM_001377458.1 (MANE Select); coding-DNA position 833, one base deleted (C; older notation c.833delC).
Protein change: p.Pro278fs; shifts the reading frame from proline 278.
Molecular consequence: frameshift variant. On other transcripts: non-coding transcript variant (1), intron variant (1).
Genome position (GRCh38, 1-based): chr1:108,940,106, G deleted on the plus strand (C on the coding strand, the reverse complement: CLCC1 is on the minus strand); the first of 3 consecutive G bases (chr1:108,940,106-108,940,108); deleting any one gives the same sequence. VCF-style (leftmost placement, unchanged base first): chr1-108940105-TG-T. GRCh37 (hg19) VCF-style: chr1-109482727-TG-T.
Other names: c.833del, p.Pro278fs (NM_001048210.3, NM_001377459.1, NM_001377460.1 and 8 more transcripts); c.470del, p.Pro157fs (NM_001278202.2); c.731del, p.Pro244fs (NM_001377469.1); c.542del, p.Pro181fs (NM_001377470.1); c.683del, p.Pro228fs (NM_015127.5); c.340-324del (NM_001278203.1); short protein forms P244fs, P278fs, P157fs, P181fs, P228fs.
Identifiers: ClinVar variation 1390262 (VCV001390262.6), dbSNP rs2101639657, ClinGen allele CA2573130921.

ClinVar aggregate classification (germline): Uncertain significance (1 of 4 stars; one submission).

Submission:

Labcorp Genetics (formerly Invitae), Labcorp
Classification: Uncertain significance. Last evaluated: 2020-11-16. Review status: criteria provided, single submitter. Criteria: Invitae Variant Classification Sherloc (09022015). Collection method: clinical testing. Allele origin: germline.
Comment: In summary, the available evidence is currently insufficient to determine the role of this variant in disease. Therefore, it has been classified as a Variant of Uncertain Significance. This variant has not been reported in the literature in individuals with CLCC1-related conditions. This variant is not present in population databases (ExAC no frequency). This sequence change creates a premature translational stop signal (p.Pro278Hisfs*10) in the CLCC1 gene. It is expected to result in an absent or disrupted protein product. However, the current clinical and genetic evidence is not sufficient to establish whether loss-of-function variants in CLCC1 cause disease.